The following is an entry in ClinVar:

NM_000517.6(HBA2):c.193del (p.Asp65fs)

Genes: HBA2 (hemoglobin subunit alpha 2; plus strand), LOC106804612 (hemoglobin subunit alpha 2 recombination region; plus strand). Cytogenetic location: 16p13.3.
Variant type: Deletion.
Coding change: c.193del on transcript NM_000517.6 (MANE Select); coding-DNA position 193, one base deleted (G; older notation c.193delG).
Protein change: p.Asp65fs; shifts the reading frame from aspartic acid 65.
Molecular consequence: frameshift variant.
Genome position (GRCh38, 1-based): chr16:173,222, G deleted. VCF-style (leftmost placement, unchanged base first): chr16-173221-CG-C. GRCh37 (hg19) VCF-style: chr16-223220-CG-C.
Other names: short protein forms D65fs.
Identifiers: ClinVar variation 4818639 (VCV004818639.1).

ClinVar aggregate classification (germline): Likely pathogenic (1 of 4 stars; one submission).

Conditions:
alpha Thalassemia. Also called: Alpha thalassemia spectrum. Identifiers: Orphanet 846, MedGen C0002312, MONDO:0011399, OMIM 604131.

Submission:

Natera, Inc.
Classification: Likely pathogenic for Alpha thalassemia. Last evaluated: 2025-12-03. Review status: criteria provided, single submitter. Criteria: Natera Variant Classification Schema (03/2026). Collection method: clinical testing. Allele origin: germline.
Comment: The c.193del variant in HBA2 is a frameshift variant predicted to shift the reading frame beginning at codon 65 and leads to a stop codon 3 codons downstream. This variant is expected to result in nonsense mediated decay, truncation, or a dysfunctional protein product. This variant is rare in the general population with a frequency below the threshold expected for the associated phenotype(s). Given the available evidence, this variant is classified as Likely Pathogenic.